The following is an entry in ClinVar:

ClinVar aggregate classification (germline): Uncertain significance. Review status: criteria provided, multiple submitters, no conflicts (2 of 4 stars). 3 submissions from 3 submitters: Uncertain significance (3). Last evaluated 2024-11-23.

Conditions:
Pulmonary fibrosis and/or bone marrow failure, Telomere-related, 3. Also called: PULMONARY FIBROSIS AND/OR BONE MARROW FAILURE SYNDROME, TELOMERE-RELATED, 3. Identifiers: Orphanet 2032, MedGen C4225346, MONDO:0014613, OMIM 616373.
Dyskeratosis congenita, autosomal recessive 5 (DKCB5). Identifiers: MedGen C3554656, MONDO:0014076, OMIM 615190.
Inborn genetic diseases. Identifiers: MedGen C0950123, MeSH D030342.

gnomAD v4.1: 5 of 1,591,532 alleles (0.00031%); highest among the groups gnomAD compares: Admixed American, 0.0089%; no homozygotes.

Submissions (3):

Ambry Genetics
Classification: Uncertain significance for Inborn genetic diseases. Last evaluated: 2024-11-23. Review status: criteria provided, single submitter. Criteria: Ambry Variant Classification Scheme 2023. Collection method: clinical testing. Allele origin: germline.
Comment: The p.A1275G variant (also known as c.3824C>G), located in coding exon 34 of the RTEL1 gene, results from a C to G substitution at nucleotide position 3824. The alanine at codon 1275 is replaced by glycine, an amino acid with similar properties. This amino acid position is conserved. In addition, the in silico prediction for this alteration is inconclusive. Based on the available evidence, the clinical significance of this variant remains unclear.

Labcorp Genetics (formerly Invitae), Labcorp
Classification: Uncertain significance for Dyskeratosis congenita, autosomal recessive 5; Pulmonary fibrosis and/or bone marrow failure, Telomere-related, 3. Last evaluated: 2024-06-30. Review status: criteria provided, single submitter. Criteria: Invitae Variant Classification Sherloc (09022015). Collection method: clinical testing. Allele origin: germline.
Comment: This sequence change replaces alanine, which is neutral and non-polar, with glycine, which is neutral and non-polar, at codon 1275 of the RTEL1 protein (p.Ala1275Gly). This variant is present in population databases (rs771296244, gnomAD 0.003%). This variant has not been reported in the literature in individuals affected with RTEL1-related conditions. ClinVar contains an entry for this variant (Variation ID: 1449326). An algorithm developed to predict the effect of missense changes on protein structure and function (PolyPhen-2) suggests that this variant is likely to be tolerated. In summary, the available evidence is currently insufficient to determine the role of this variant in disease. Therefore, it has been classified as a Variant of Uncertain Significance.

Fulgent Genetics
Classification: Uncertain significance for Dyskeratosis congenita, autosomal recessive 5; Pulmonary fibrosis and/or bone marrow failure, Telomere-related, 3. Last evaluated: 2024-03-20. Review status: criteria provided, single submitter. Criteria: ACMG Guidelines, 2015. Collection method: clinical testing. Allele origin: germline.

NM_001283009.2(RTEL1):c.3824C>G (p.Ala1275Gly)

Genes: RTEL1 (regulator of telomere elongation helicase 1; plus strand), RTEL1-TNFRSF6B (RTEL1-TNFRSF6B readthrough (NMD candidate); plus strand). Cytogenetic location: 20q13.33.
Variant type: single nucleotide variant.
Coding change: c.3824C>G on transcript NM_001283009.2 (MANE Select); coding-DNA position 3824, C replaced by G.
Protein change: p.Ala1275Gly; replaces alanine 1275 with glycine.
Molecular consequence: missense variant. On other transcripts: non-coding transcript variant (1), synonymous variant (3).
Genome position (GRCh38, 1-based): chr20:63,695,779, C>G. VCF-style: chr20-63695779-C-G. GRCh37 (hg19) VCF-style: chr20-62327132-C-G.
Other names: c.2985C>G, p.Gly995= (NM_001283010.1); c.3654C>G, p.Gly1218= (NM_016434.4); c.3726C>G, p.Gly1242= (NM_032957.5); short protein forms A1275G.
Identifiers: ClinVar variation 1449326 (VCV001449326.9), dbSNP rs771296244, ClinGen allele CA9966223.